The following is an entry in ClinVar:

NM_001134363.3(RBM20):c.1338-237A>G

Gene: RBM20 (RNA binding motif protein 20; plus strand). Cytogenetic location: 10q25.2.
Variant type: single nucleotide variant.
Coding change: c.1338-237A>G on transcript NM_001134363.3 (MANE Select); 237 bases into the intron before coding-DNA position 1338, A replaced by G.
Molecular consequence: intron variant.
Genome position (GRCh38, 1-based): chr10:110,784,104, A>G. VCF-style: chr10-110784104-A-G. GRCh37 (hg19) VCF-style: chr10-112543862-A-G.
Identifiers: ClinVar variation 679065 (VCV000679065.1), dbSNP rs55873340, ClinGen allele CA213236128.
Genomic context (GRCh38, chr10:110,784,104, plus strand): 5'-TCAAGGTACATCCATCCATGTTGTAATATGTACAACCTTTCTATGACTGAACAATATTCT[A>G]TTGCATGTATATATCACATTCTTGTTTATCCATTCATCTTTTGATGGACATTTGGATTGT-3'

ClinVar aggregate classification (germline): Benign (1 of 4 stars; one submission).

Allele frequency attached by ClinVar (database versions not stated): 1000 Genomes Project 0.01817; TOPMed 0.02345; gnomAD 0.02940 and 0.03001.
gnomAD v4.1: 4,480 of 152,302 alleles (2.9%); highest among the groups gnomAD compares: Middle Eastern, 4.8%; 103 homozygotes.

Submission:

GeneDx
Classification: Benign. Last evaluated: 2018-06-16. Review status: criteria provided, single submitter. Criteria: GeneDx Variant Classification (06012015). Collection method: clinical testing. Allele origin: germline. Affected: yes.
Comment: This variant is considered likely benign or benign based on one or more of the following criteria: it is a conservative change, it occurs at a poorly conserved position in the protein, it is predicted to be benign by multiple in silico algorithms, and/or has population frequency not consistent with disease.